The following is an entry in ClinVar:

ClinVar aggregate classification (germline): Uncertain significance. Review status: criteria provided, multiple submitters, no conflicts (2 of 4 stars). 2 submissions from 2 submitters: Uncertain significance (2). Last evaluated 2025-10-22.

Conditions:
Cardiovascular phenotype. Identifiers: MedGen CN230736.

Allele frequency attached by ClinVar (database versions not stated): gnomAD exomes below 0.00001; gnomAD 0.00002; TOPMed 0.00002.
gnomAD v4.1: 9 of 1,612,310 alleles (0.00056%); highest among the groups gnomAD compares: African/African-American, 0.004%; no homozygotes.

Submissions (2):

Labcorp Genetics (formerly Invitae), Labcorp
Classification: Uncertain significance. Last evaluated: 2025-10-22. Review status: criteria provided, single submitter. Criteria: Invitae Variant Classification Sherloc (09022015). Collection method: clinical testing. Allele origin: germline.
Comment: This sequence change replaces arginine, which is basic and polar, with glutamine, which is neutral and polar, at codon 738 of the ALPK3 protein (p.Arg738Gln). This variant is present in population databases (no rsID available, gnomAD 0.005%). This variant has not been reported in the literature in individuals affected with ALPK3-related conditions. ClinVar contains an entry for this variant (Variation ID: 1900578). Invitae Evidence Modeling of protein sequence and biophysical properties (such as structural, functional, and spatial information, amino acid conservation, physicochemical variation, residue mobility, and thermodynamic stability) indicates that this missense variant is not expected to disrupt ALPK3 protein function with a negative predictive value of 80%. In summary, the available evidence is currently insufficient to determine the role of this variant in disease. Therefore, it has been classified as a Variant of Uncertain Significance.

Ambry Genetics
Classification: Uncertain significance for Cardiovascular phenotype. Last evaluated: 2024-03-16. Review status: criteria provided, single submitter. Criteria: Ambry Variant Classification Scheme 2023. Collection method: clinical testing. Allele origin: germline.
Comment: The p.R738Q variant (also known as c.2213G>A), located in coding exon 5 of the ALPK3 gene, results from a G to A substitution at nucleotide position 2213. The arginine at codon 738 is replaced by glutamine, an amino acid with highly similar properties. This amino acid position is conserved. In addition, this alteration is predicted to be tolerated by in silico analysis. Based on the available evidence, the clinical significance of this alteration remains unclear.

NM_020778.5(ALPK3):c.1607G>A (p.Arg536Gln)

Genes: ALPK3 (alpha kinase 3; plus strand), LOC111718493 (skeletal muscle cis-regulatory module overlapping ALPK3; plus strand). Cytogenetic location: 15q25.3.
Variant type: single nucleotide variant.
Coding change: c.1607G>A on transcript NM_020778.5 (MANE Select); coding-DNA position 1607, G replaced by A.
Protein change: p.Arg536Gln; replaces arginine 536 with glutamine.
Molecular consequence: missense variant.
Genome position (GRCh38, 1-based): chr15:84,840,886, G>A. VCF-style: chr15-84840886-G-A. GRCh37 (hg19) VCF-style: chr15-85384117-G-A.
Other names: c.2213G>A (NM_020778.4); short protein forms R536Q.
Identifiers: ClinVar variation 1900578 (VCV001900578.8), dbSNP rs898589974, ClinGen allele CA273666828.
Genomic context (GRCh38, chr15:84,840,886, plus strand): 5'-CCCCACCTCAGGCCTCTGTGCAGGTGCCGACGCCCCCTGCCCGGCGGAGACATGGCACCC[G>A]GGACAGCACGTTGCAGGGGCAAGCAGGCCACAGGACTCCAGGAGAGGTAAGTGTGGGTGT-3'
Protein context (NP_065829.4, residues 526-546): TPPARRRHGT[Arg536Gln]DSTLQGQAGH